The following is an entry in ClinVar:

NM_000455.5(STK11):c.1039G>A (p.Ala347Thr)

Genes: STK11 (serine/threonine kinase 11; plus strand), LOC130062899 (ATAC-STARR-seq lymphoblastoid active region 13597; plus strand). Cytogenetic location: 19p13.3.
Variant type: single nucleotide variant.
Coding change: c.1039G>A on transcript NM_000455.5 (MANE Select); coding-DNA position 1039, G replaced by A.
Protein change: p.Ala347Thr; replaces alanine 347 with threonine.
Molecular consequence: missense variant.
Genome position (GRCh38, 1-based): chr19:1,223,103, G>A. VCF-style: chr19-1223103-G-A. GRCh37 (hg19) VCF-style: chr19-1223102-G-A.
Other names: short protein forms A347T.
Identifiers: ClinVar variation 141089 (VCV000141089.42), dbSNP rs369744528, ClinGen allele CA022200.

ClinVar aggregate classification (germline): Conflicting classifications of pathogenicity. Review status: criteria provided, conflicting classifications (1 of 4 stars). 12 submissions from 12 submitters: Uncertain significance (3); Benign (2); Likely benign (6). 1 of the submissions does not count toward it. Last evaluated 2025-12-23.

Conditions:
Hereditary cancer-predisposing syndrome. Also called: Neoplastic Syndromes, Hereditary; Hereditary Cancer Syndrome; Hereditary neoplastic syndrome; Tumor predisposition. Identifiers: Orphanet 140162, MedGen C0027672, MeSH D009386, MONDO:0015356.
Peutz-Jeghers syndrome (PJS). Also called: Peutz-Jeghers polyposis; Periorificial lentiginosis syndrome; POLYPOSIS, HAMARTOMATOUS INTESTINAL; POLYPS-AND-SPOTS SYNDROME. Identifiers: Orphanet 2869, MedGen C0031269, MeSH D010580, MONDO:0008280, OMIM 175200.

Allele frequency attached by ClinVar (database versions not stated): gnomAD 0.00001 and 0.00003; TOPMed 0.00002; gnomAD exomes 0.00004 and 0.00007; ExAC 0.00007; ESP Exome Variant Server 0.00008.
gnomAD v4.1: 54 of 1,611,164 alleles (0.0034%); highest among the groups gnomAD compares: South Asian, 0.035%; no homozygotes.

Submissions (12):

Labcorp Genetics (formerly Invitae), Labcorp
Classification: Likely benign for Peutz-Jeghers syndrome. Last evaluated: 2025-12-23. Review status: criteria provided, single submitter. Criteria: Invitae Variant Classification Sherloc (09022015). Collection method: clinical testing. Allele origin: germline.

Color Diagnostics, LLC DBA Color Health
Classification: Benign for Hereditary cancer-predisposing syndrome. Last evaluated: 2025-11-25. Review status: criteria provided, single submitter. Criteria: ACMG Guidelines, 2015. Collection method: clinical testing. Allele origin: germline.

Center for Genomic Medicine, Rigshospitalet, Copenhagen University Hospital
Classification: Uncertain significance. Last evaluated: 2025-03-04. Review status: criteria provided, single submitter. Criteria: ACMG Guidelines, 2015. Collection method: clinical testing. Allele origin: germline.

All of Us Research Program, National Institutes of Health
Classification: Uncertain significance for Peutz-Jeghers syndrome. Last evaluated: 2024-03-24. Review status: criteria provided, single submitter. Criteria: ACMG Guidelines, 2015. Collection method: clinical testing. Allele origin: germline. Inheritance: Autosomal dominant inheritance. Observed: 2 variant alleles, 2 heterozygotes.
Comment: This missense variant replaces alanine with threonine at codon 347 of the STK11 protein. Computational prediction suggests that this variant may not impact protein structure and function (internally defined REVEL score threshold <= 0.5, PMID: 27666373). To our knowledge, functional studies have not been performed for this variant. This variant has not been reported in individuals affected with hereditary cancer in the literature. This variant has been identified in 16/244008 chromosomes in the general population by the Genome Aggregation Database (gnomAD). The available evidence is insufficient to determine the role of this variant in disease conclusively. Therefore, this variant is classified as a Variant of Uncertain Significance.

This study involves interpretation of variants in research participants for the purpose of population health screening. Participant phenotype was not available at the time of variant classification. Additional details can be found in publication PMID: 35346344, PMCID: PMC8962531

Myriad Genetics, Inc.
Classification: Likely benign for Peutz-Jeghers syndrome. Last evaluated: 2023-04-14. Review status: criteria provided, single submitter. Criteria: Myriad Autosomal Dominant, Autosomal Recessive and X-Linked Classification Criteria (2023). Collection method: clinical testing. Allele origin: unknown.
Comment: This variant is considered likely benign. Homozygosity has been confirmed in one or more individuals. As homozygosity for pathogenic variants in this gene is generally assumed to result in embryonic lethality, this variant is unlikely to be pathogenic.

Ambry Genetics
Classification: Benign for Hereditary cancer-predisposing syndrome. Last evaluated: 2022-12-20. Review status: criteria provided, single submitter. Criteria: Ambry Variant Classification Scheme 2023. Collection method: clinical testing. Allele origin: germline.

Sema4
Classification: Likely benign for Hereditary cancer-predisposing syndrome. Last evaluated: 2022-01-04. Review status: criteria provided, single submitter. Criteria: Sema4 Curation Guidelines. Collection method: curation. Allele origin: germline.

Quest Diagnostics Nichols Institute San Juan Capistrano
Classification: Likely benign. Last evaluated: 2021-09-02. Review status: criteria provided, single submitter. Criteria: Quest Diagnostics criteria. Collection method: clinical testing. Allele origin: unknown.

Genome-Nilou Lab
Classification: Uncertain significance for Peutz-Jeghers syndrome. Last evaluated: 2021-07-15. Review status: criteria provided, single submitter. Criteria: ACMG Guidelines, 2015. Collection method: clinical testing. Allele origin: germline. Affected: no.

GeneDx
Classification: Likely benign. Last evaluated: 2021-02-10. Review status: criteria provided, single submitter. Criteria: GeneDx Variant Classification Process June 2021. Collection method: clinical testing. Allele origin: germline. Affected: yes.
Comment: In silico analysis supports that this missense variant does not alter protein structure/function; Has not been previously published as pathogenic or benign to our knowledge

Women's Health and Genetics/Laboratory Corporation of America, LabCorp
Classification: Likely benign. Last evaluated: 2018-05-08. Review status: criteria provided, single submitter. Criteria: LabCorp Variant Classification Summary - May 2015. Collection method: clinical testing. Allele origin: germline.
Comment: Variant summary: STK11 c.1039G>A (p.Ala347Thr) results in a non-conservative amino acid change in the encoded protein sequence. Four of five in-silico tools predict a benign effect of the variant on protein function. The observed variant frequency within South Asian control individuals in the gnomAD database is approximately 21.12 fold of the estimated maximal expected allele frequency for a pathogenic variant in STK11 causing Hereditary Breast and Ovarian Cancer phenotype (1.6e-05), strongly suggesting that the variant is a benign polymorphism found primarily in populations of South Asian origin. To our knowledge, no occurrence of c.1039G>A in individuals affected with Hereditary Breast and Ovarian Cancer and no experimental evidence demonstrating its impact on protein function have been reported. Five other clinical diagnostic laboratories have submitted clinical-significance assessments for this variant to ClinVar after 2014 without evidence for independent evaluation. All laboratories classified the variant as uncertain significance. Based on the evidence outlined above, the variant was classified as likely benign.

Counsyl
Classification: Uncertain significance for Peutz-Jeghers syndrome. Last evaluated: 2016-06-27. Review status: no assertion criteria provided. Collection method: clinical testing. Allele origin: unknown. Not counted in ClinVar's aggregate classification.

Literature cited by the submitters: PubMed 30267214 (cited by Ambry Genetics).